The following is an entry in ClinVar:

NM_198428.3(BBS9):c.2370G>T (p.Glu790Asp)

Gene: BBS9 (Bardet-Biedl syndrome 9; plus strand). Cytogenetic location: 7p14.3.
Variant type: single nucleotide variant.
Coding change: c.2370G>T on transcript NM_198428.3 (MANE Select); coding-DNA position 2370, G replaced by T.
Protein change: p.Glu790Asp; replaces glutamic acid 790 with aspartic acid.
Molecular consequence: missense variant. On other transcripts: non-coding transcript variant (3).
Genome position (GRCh38, 1-based): chr7:33,534,025, G>T. VCF-style: chr7-33534025-G-T. GRCh37 (hg19) VCF-style: chr7-33573637-G-T.
Other names: c.2097G>T, p.Glu699Asp (NM_001348038.3); c.1992G>T, p.Glu664Asp (NM_001348039.3); c.2250G>T, p.Glu750Asp (NM_001348040.3, NM_014451.4); c.2370G>T, p.Glu790Asp (NM_001348041.4, NM_001348043.3, NM_001362679.1 and 3 more transcripts); c.2235G>T, p.Glu745Asp (NM_001348042.3); c.1899G>T, p.Glu633Asp (NM_001348044.3); c.2004G>T, p.Glu668Asp (NM_001348045.3, NM_001348046.3); c.2265G>T, p.Glu755Asp (NM_001033604.2); and 3 more; short protein forms E664D, E745D, E755D, E607D, E668D, E699D, E785D, E790D.
Identifiers: ClinVar variation 2153648 (VCV002153648.5), dbSNP rs1396602019, ClinGen allele CA367256835.

ClinVar aggregate classification (germline): Uncertain significance. Review status: criteria provided, single submitter (1 of 4 stars). 2 submissions from 2 submitters: Uncertain significance (1). 1 of the submissions does not count toward it. Last evaluated 2022-02-15.

Conditions:
BBS9-related disorder. Also called: BBS9-related condition.
Bardet-Biedl syndrome (BBS). Identifiers: Orphanet 110, MedGen C0752166, MONDO:0015229.

Allele frequency attached by ClinVar (database versions not stated): TOPMed 0.00001.
gnomAD v4.1: 1 of 1,614,218 alleles (0.000062%); highest among the groups gnomAD compares: African/African-American, 0.0013%; no homozygotes.

Submissions (2):

Labcorp Genetics (formerly Invitae), Labcorp
Classification: Uncertain significance for Bardet-Biedl syndrome. Last evaluated: 2022-02-15. Review status: criteria provided, single submitter. Criteria: Invitae Variant Classification Sherloc (09022015). Collection method: clinical testing. Allele origin: germline.
Comment: This variant is not present in population databases (gnomAD no frequency). This sequence change replaces glutamic acid, which is acidic and polar, with aspartic acid, which is acidic and polar, at codon 790 of the BBS9 protein (p.Glu790Asp). This variant has not been reported in the literature in individuals affected with BBS9-related conditions. In summary, the available evidence is currently insufficient to determine the role of this variant in disease. Therefore, it has been classified as a Variant of Uncertain Significance. Algorithms developed to predict the effect of missense changes on protein structure and function are either unavailable or do not agree on the potential impact of this missense change (SIFT: "Deleterious"; PolyPhen-2: "Benign"; Align-GVGD: "Class C0").

PreventionGenetics, part of Exact Sciences
Classification: Uncertain significance for BBS9-related condition. Last evaluated: 2024-08-13. Review status: no assertion criteria provided. Collection method: clinical testing. Allele origin: germline. Not counted in ClinVar's aggregate classification.
Comment: The BBS9 c.2370G>T variant is predicted to result in the amino acid substitution p.Glu790Asp. To our knowledge, this variant has not been reported in the literature or in a large population database, indicating this variant is rare. At this time, the clinical significance of this variant is uncertain due to the absence of conclusive functional and genetic evidence.